The following is an entry in ClinVar:

NM_002458.3(MUC5B):c.8520G>A (p.Thr2840=)

Genes: MUC5B (mucin 5B, oligomeric mucus/gel-forming; plus strand), MUC5B-AS1 (MUC5B antisense RNA 1; minus strand). Cytogenetic location: 11p15.5.
Variant type: single nucleotide variant.
Coding change: c.8520G>A on transcript NM_002458.3 (MANE Select); coding-DNA position 8520, G replaced by A.
Protein change: p.Thr2840=; no amino-acid change (threonine 2840 retained).
Molecular consequence: synonymous variant.
Genome position (GRCh38, 1-based): chr11:1,245,400, G>A. VCF-style: chr11-1245400-G-A. GRCh37 (hg19) VCF-style: chr11-1266630-G-A.
Identifiers: ClinVar variation 2672435 (VCV002672435.23), dbSNP rs200570144, ClinGen allele CA5806670.

ClinVar aggregate classification (germline): Likely benign (1 of 4 stars; one submission).

Allele frequency attached by ClinVar (database versions not stated): ExAC 0.00029; gnomAD 0.00120.

Submission:

CeGaT Center for Human Genetics Tuebingen
Classification: Likely benign. Last evaluated: 2025-05-01. Review status: criteria provided, single submitter. Criteria: CeGaT Center For Human Genetics Tuebingen Variant Classification Criteria Version 2. Collection method: clinical testing. Allele origin: germline. Affected: yes. Observed: 2 variant alleles.
Comment: MUC5B: BP4, BP7, BS1